The following is an entry in ClinVar:

NM_000245.4(MET):c.1572G>A (p.Gln524=)

Gene: MET (MET proto-oncogene, receptor tyrosine kinase; plus strand). Cytogenetic location: 7q31.2.
Variant type: single nucleotide variant.
Coding change: c.1572G>A on transcript NM_000245.4 (MANE Select); coding-DNA position 1572, G replaced by A.
Protein change: p.Gln524=; no amino-acid change (glutamine 524 retained).
Molecular consequence: synonymous variant.
Genome position (GRCh38, 1-based): chr7:116,740,896, G>A. VCF-style: chr7-116740896-G-A. GRCh37 (hg19) VCF-style: chr7-116380950-G-A.
Other names: c.1572G>A, p.Gln524= (NM_001127500.3, NM_001324401.3); c.282G>A, p.Gln94= (NM_001324402.2).
Identifiers: ClinVar variation 767080 (VCV000767080.14), dbSNP rs201878238, ClinGen allele CA164873791.
Genomic context (GRCh38, chr7:116,740,896, plus strand): 5'-CCCCTTCTCTTCACAGATCACGAAGATCCCATTGAATGGCTTGGGCTGCAGACATTTCCA[G>A]TCCTGCAGTCAATGCCTCTCTGCCCCACCCTTTGTTCAGTGTGGCTGGTGCCACGACAAA-3'
Protein context (NP_000236.2, residues 514-534): PLNGLGCRHF[Gln524=]SCSQCLSAPP

ClinVar aggregate classification (germline): Benign/Likely benign. Review status: criteria provided, multiple submitters, no conflicts (2 of 4 stars). 3 submissions from 3 submitters: Benign (1); Likely benign (2). Last evaluated 2025-05-05.

Conditions:
Hereditary cancer-predisposing syndrome. Also called: Neoplastic Syndromes, Hereditary; Hereditary Cancer Syndrome; Tumor predisposition; Hereditary neoplastic syndrome. Identifiers: Orphanet 140162, MedGen C0027672, MeSH D009386, MONDO:0015356.
Renal cell carcinoma. Identifiers: Orphanet 217071, MedGen C0007134, MeSH D002292, MONDO:0005086, HP:0005584.
Papillary renal cell carcinoma type 1 (RCCP1). Also called: RENAL CELL CARCINOMA, PAPILLARY, 1, SOMATIC; Renal adenocarcinoma; Renal cell carcinoma 1; Renal cell carcinoma, somatic. Identifiers: Orphanet 47044, MedGen C1336839, OMIM 605074, HP:0011797.

Allele frequency attached by ClinVar (database versions not stated): gnomAD 0.00001.
gnomAD v4.1: 1 of 1,613,982 alleles (0.000062%); highest among the groups gnomAD compares: Non-Finnish European, 0.000085%; no homozygotes.

Submissions (3):

Labcorp Genetics (formerly Invitae), Labcorp
Classification: Likely benign for Renal cell carcinoma. Last evaluated: 2025-05-05. Review status: criteria provided, single submitter. Criteria: Invitae Variant Classification Sherloc (09022015). Collection method: clinical testing. Allele origin: germline.

Myriad Genetics, Inc.
Classification: Benign for Papillary renal cell carcinoma type 1. Last evaluated: 2024-11-07. Review status: criteria provided, single submitter. Criteria: Myriad Autosomal Dominant, Autosomal Recessive and X-Linked Classification Criteria (2023). Collection method: clinical testing. Allele origin: unknown.
Comment: This variant is considered benign. This variant is a silent/synonymous amino acid change and it is not expected to impact splicing.

Ambry Genetics
Classification: Likely benign for Hereditary cancer-predisposing syndrome. Last evaluated: 2015-04-05. Review status: criteria provided, single submitter. Criteria: Ambry Variant Classification Scheme 2023. Collection method: clinical testing. Allele origin: germline.